The following is an entry in ClinVar:

NM_015338.6(ASXL1):c.1034A>G (p.Lys345Arg)

Gene: ASXL1 (ASXL transcriptional regulator 1; plus strand). Cytogenetic location: 20q11.21.
Variant type: single nucleotide variant.
Coding change: c.1034A>G on transcript NM_015338.6 (MANE Select); coding-DNA position 1034, A replaced by G.
Protein change: p.Lys345Arg; replaces lysine 345 with arginine.
Molecular consequence: missense variant.
Genome position (GRCh38, 1-based): chr20:32,432,934, A>G. VCF-style: chr20-32432934-A-G. GRCh37 (hg19) VCF-style: chr20-31020737-A-G.
Other names: c.851A>G, p.Lys284Arg (NM_001363734.1); short protein forms K284R, K345R.
Identifiers: ClinVar variation 3956726 (VCV003956726.1).

ClinVar aggregate classification (germline): Uncertain significance (1 of 4 stars; one submission).

Conditions:
Inborn genetic diseases. Identifiers: MedGen C0950123, MeSH D030342.

gnomAD v4.1: 2 of 1,614,064 alleles (0.00012%); highest among the groups gnomAD compares: Non-Finnish European, 0.00017%; no homozygotes.

Submission:

Ambry Genetics
Classification: Uncertain significance for Inborn genetic diseases. Last evaluated: 2025-05-07. Review status: criteria provided, single submitter. Criteria: Ambry Variant Classification Scheme 2023. Collection method: clinical testing. Allele origin: germline.
Comment: The p.K345R variant (also known as c.1034A>G), located in coding exon 11 of the ASXL1 gene, results from an A to G substitution at nucleotide position 1034. The lysine at codon 345 is replaced by arginine, an amino acid with highly similar properties. This amino acid position is conserved. In addition, this alteration is predicted to be tolerated by in silico analysis. Based on the available evidence, the clinical significance of this variant remains unclear.